The following is an entry in ClinVar:

NM_001482.3(GATM):c.139C>G (p.Arg47Gly)

Gene: GATM (glycine amidinotransferase; minus strand). Cytogenetic location: 15q21.1.
Variant type: single nucleotide variant.
Coding change: c.139C>G on transcript NM_001482.3 (MANE Select); coding-DNA position 139, C replaced by G.
Protein change: p.Arg47Gly; replaces arginine 47 with glycine.
Molecular consequence: missense variant. On other transcripts: 5 prime UTR variant (1).
Genome position (GRCh38, 1-based): chr15:45,376,750, G>C on the plus strand (C>G on the coding strand, the complement: GATM is on the minus strand). VCF-style: chr15-45376750-G-C. GRCh37 (hg19) VCF-style: chr15-45668948-G-C.
Other names: c.-249C>G (NM_001321015.2); short protein forms R47G.
Identifiers: ClinVar variation 2584785 (VCV002584785.1), dbSNP rs749075034, ClinGen allele CA7542991.

ClinVar aggregate classification (germline): Uncertain significance (1 of 4 stars; one submission).

Conditions:
Fanconi renotubular syndrome 1. Also called: FRTS1; Toni-Debre-Fanconi syndrome; Neonatal De Toni-Debre-Fanconi syndrome; De Toni-Fanconi syndrome; LUDER-SHELDON SYNDROME. Identifiers: MedGen C4551503, MONDO:0024525, OMIM 134600.

gnomAD v4.1: 2 of 1,614,150 alleles (0.00012%); highest among the groups gnomAD compares: South Asian, 0.0022%; no homozygotes.

Submission:

Neuberg Centre For Genomic Medicine, NCGM
Classification: Uncertain significance for Fanconi renotubular syndrome 1. Review status: criteria provided, single submitter. Criteria: ACMG Guidelines, 2015. Collection method: clinical testing. Allele origin: germline. Inheritance: Autosomal dominant inheritance. Affected: yes.
Comment: The c.139C>G (p.Arg47Gly) missense variant in GATM gene has not been reported previously as a pathogenic variant nor as a benign variant, to our knowledge. This variant is reported with the allele frequency (0.0007%) in the gnomAD and novel in 1000 genome database. The amino acid Arg at position 47 is changed to a Gly changing protein sequence and it might alter its composition and physico-chemical properties. The amino acid change p.Arg47Gly in GATM is predicted as conserved by GERP++ and PhyloP across 100 vertebrates. For these reasons, this variant has been classified as Variant of Uncertain Significance (VUS).